The following is an entry in ClinVar:

ClinVar aggregate classification (germline): Pathogenic (1 of 4 stars; one submission).

Conditions:
Neonatal-onset encephalopathy with rigidity and seizures. Also called: Lethal neonatal spasticity-epileptic encephalopathy syndrome. Identifiers: Orphanet 435845, MedGen C3281029, MONDO:0013784, OMIM 614498.

Submission:

Labcorp Genetics (formerly Invitae), Labcorp
Classification: Pathogenic for Neonatal-onset encephalopathy with rigidity and seizures. Last evaluated: 2024-07-15. Review status: criteria provided, single submitter. Criteria: Invitae Variant Classification Sherloc (09022015). Collection method: clinical testing. Allele origin: germline.
Comment: This sequence change creates a premature translational stop signal (p.Glu500*) in the BRAT1 gene. It is expected to result in an absent or disrupted protein product. Loss-of-function variants in BRAT1 are known to be pathogenic (PMID: 22279524, 25500575). This variant is not present in population databases (gnomAD no frequency). This variant has not been reported in the literature in individuals affected with BRAT1-related conditions. Algorithms developed to predict the effect of sequence changes on RNA splicing suggest that this variant may disrupt the consensus splice site. For these reasons, this variant has been classified as Pathogenic.

Literature cited by the submitters: PubMed 22279524; PubMed 25500575.

NM_152743.4(BRAT1):c.1498G>T (p.Glu500Ter)

Gene: BRAT1 (BRCA1 associated ATM activator 1; minus strand). Cytogenetic location: 7p22.3.
Variant type: single nucleotide variant.
Coding change: c.1498G>T on transcript NM_152743.4 (MANE Select); coding-DNA position 1498, G replaced by T.
Protein change: p.Glu500Ter; replaces glutamic acid 500 with a stop codon.
Molecular consequence: nonsense. On other transcripts: non-coding transcript variant (1).
Genome position (GRCh38, 1-based): chr7:2,539,786, C>A on the plus strand (G>T on the coding strand, the complement: BRAT1 is on the minus strand). VCF-style: chr7-2539786-C-A. GRCh37 (hg19) VCF-style: chr7-2579420-C-A.
Other names: c.1498G>T, p.Glu500Ter (NM_001350626.2); c.973G>T, p.Glu325Ter (NM_001350627.2); short protein forms E325*, E500*.
Identifiers: ClinVar variation 3691071 (VCV003691071.2).
Genomic context (GRCh38, chr7:2,539,786, plus strand): 5'-CCCTGCTGCCTCCACCCCTGCGACTCCAGCTCCGTTCACCCCTGCAAGGGGCTGCGTTAC[C>A]TCTGAGGAACTGCGGGATGAGGGGGCCGAGATCAGAGCAGCCGGGGGTCTTGGGTGAGCT-3'